The following is an entry in ClinVar:

NM_001378454.1(ALMS1):c.6171A>T (p.Leu2057Phe)

Gene: ALMS1 (ALMS1 centrosome and basal body associated protein; plus strand). Cytogenetic location: 2p13.1.
Variant type: single nucleotide variant.
Coding change: c.6171A>T on transcript NM_001378454.1 (MANE Select); coding-DNA position 6171, A replaced by T.
Protein change: p.Leu2057Phe; replaces leucine 2057 with phenylalanine.
Molecular consequence: missense variant.
Genome position (GRCh38, 1-based): chr2:73,452,698, A>T. VCF-style: chr2-73452698-A-T. GRCh37 (hg19) VCF-style: chr2-73679825-A-T.
Other names: c.6174A>T, p.Leu2058Phe (NM_015120.4); short protein forms L2057F, L2058F.
Identifiers: ClinVar variation 1386507 (VCV001386507.3), dbSNP rs2103789184, ClinGen allele CA347285161.

ClinVar aggregate classification (germline): Uncertain significance (1 of 4 stars; one submission).

Conditions:
Alstrom syndrome (ALMS). Identifiers: Orphanet 64, MedGen C0268425, MONDO:0008763, OMIM 203800.

Allele frequency attached by ClinVar (database versions not stated): gnomAD exomes below 0.00001.
gnomAD v4.1: 1 of 1,613,738 alleles (0.000062%); highest among the groups gnomAD compares: Non-Finnish European, 0.000085%; no homozygotes.

Submission:

Labcorp Genetics (formerly Invitae), Labcorp
Classification: Uncertain significance for Alstrom syndrome. Last evaluated: 2022-03-10. Review status: criteria provided, single submitter. Criteria: Invitae Variant Classification Sherloc (09022015). Collection method: clinical testing. Allele origin: germline.
Comment: This sequence change replaces leucine, which is neutral and non-polar, with phenylalanine, which is neutral and non-polar, at codon 2058 of the ALMS1 protein (p.Leu2058Phe). This variant is not present in population databases (gnomAD no frequency). This variant has not been reported in the literature in individuals affected with ALMS1-related conditions. Experimental studies and prediction algorithms are not available or were not evaluated, and the functional significance of this variant is currently unknown. In summary, the available evidence is currently insufficient to determine the role of this variant in disease. Therefore, it has been classified as a Variant of Uncertain Significance.